The following is an entry in ClinVar:

ClinVar aggregate classification (germline): Uncertain significance (1 of 4 stars; one submission).

Conditions:
Microcephaly, epilepsy, and diabetes syndrome. Identifiers: Orphanet 306558, MedGen C3280240, MONDO:0100328.

Allele frequency attached by ClinVar (database versions not stated): TOPMed 0.00002; gnomAD 0.00003 and 0.00004.

Submission:

Labcorp Genetics (formerly Invitae), Labcorp
Classification: Uncertain significance for Microcephaly, epilepsy, and diabetes syndrome. Last evaluated: 2021-08-27. Review status: criteria provided, single submitter. Criteria: Invitae Variant Classification Sherloc (09022015). Collection method: clinical testing. Allele origin: germline.
Comment: This sequence change falls in intron 2 of the IER3IP1 gene. It does not directly change the encoded amino acid sequence of the IER3IP1 protein. It affects a nucleotide within the consensus splice site of the intron. This variant is not present in population databases (ExAC no frequency). This variant has not been reported in the literature in individuals affected with IER3IP1-related conditions. Variants that disrupt the consensus splice site are a relatively common cause of aberrant splicing (PMID: 17576681, 9536098). Algorithms developed to predict the effect of sequence changes on RNA splicing suggest that this variant is not likely to affect RNA splicing. In summary, the available evidence is currently insufficient to determine the role of this variant in disease. Therefore, it has been classified as a Variant of Uncertain Significance.

Literature cited by the submitters: PubMed 17576681; PubMed 9536098.

NM_016097.5(IER3IP1):c.194-3C>T

Gene: IER3IP1 (immediate early response 3 interacting protein 1; minus strand). Cytogenetic location: 18q21.1.
Variant type: single nucleotide variant.
Coding change: c.194-3C>T on transcript NM_016097.5 (MANE Select); 3 bases into the intron before coding-DNA position 194, C replaced by T.
Molecular consequence: intron variant.
Genome position (GRCh38, 1-based): chr18:47,156,235, G>A on the plus strand (C>T on the coding strand, the complement: IER3IP1 is on the minus strand). VCF-style: chr18-47156235-G-A. GRCh37 (hg19) VCF-style: chr18-44682606-G-A.
Identifiers: ClinVar variation 935161 (VCV000935161.7), dbSNP rs1415184784, ClinGen allele CA779851797.
Genomic context (GRCh38, chr18:47,156,235, plus strand): 5'-ATTCATCCAAATAATAAAAGTAACACAATTGCAATTGAGTTTACTATTATCAATGGCACT[G>A]TAAAGAGAAAAAAAAAAGTTTGTTACTATAAAGAAAAAACAGAGAAAAAACCAGAAAATA-3'